The following is an entry in ClinVar:

NM_000404.4(GLB1):c.841C>T (p.His281Tyr)

Gene: GLB1 (galactosidase beta 1; minus strand). Cytogenetic location: 3p22.3.
Variant type: single nucleotide variant.
Coding change: c.841C>T on transcript NM_000404.4 (MANE Select); coding-DNA position 841, C replaced by T.
Protein change: p.His281Tyr; replaces histidine 281 with tyrosine.
Molecular consequence: missense variant.
Genome position (GRCh38, 1-based): chr3:33,051,956, G>A on the plus strand (C>T on the coding strand, the complement: GLB1 is on the minus strand). VCF-style: chr3-33051956-G-A. GRCh37 (hg19) VCF-style: chr3-33093448-G-A.
Other names: c.841C>T (NM_000404.3); c.751C>T, p.His251Tyr (NM_001079811.3); c.448C>T, p.His150Tyr (NM_001135602.3); c.985C>T, p.His329Tyr (NM_001317040.2); c.841C>T, p.His281Tyr (NM_001393580.1); short protein forms H281Y, H329Y, H150Y, H251Y.
Identifiers: ClinVar variation 372371 (VCV000372371.36), dbSNP rs745386663, ClinGen allele CA2299580.

ClinVar aggregate classification (germline): Pathogenic. Review status: criteria provided, multiple submitters, no conflicts (2 of 4 stars). 8 submissions from 8 submitters: Pathogenic (6). 2 of the submissions do not count toward it. Last evaluated 2026-04-01.

Conditions:
Lysosomal storage disease. Also called: Lysosomal storage disorder. Identifiers: Orphanet 68366, MedGen C0085078, MONDO:0002561.
GM1 gangliosidosis. Identifiers: Orphanet 354, MedGen C0085131, MONDO:0018149.
Mucopolysaccharidosis, MPS-IV-B (MPS4B). Also called: Mucopolysaccharidosis type 4B; Mucopolysaccharidosis Type IVB (Morquio B Disease); Mucopolysaccharidosis Type IVB; MORQUIO SYNDROME B; Mucopolysaccharidosis type IVB (Morquio); MPS IVB. Identifiers: Orphanet 309310, Orphanet 582, MedGen C0086652, MONDO:0009660, OMIM 253010.
Infantile GM1 gangliosidosis. Also called: GM1 gangliosidosis type 1; GM1-gangliosidosis, type I; Gangliosidosis, generalized GM1, infantile form; GLB1 deficiency; Gangliosidosis, Generalized GM1, Type 1. Identifiers: Orphanet 354, Orphanet 79255, MedGen C0268271, MONDO:0009260, OMIM 230500.
GLB1-related disorder. Also called: GLB1-related disorders. Identifiers: MedGen CN377807.

Allele frequency attached by ClinVar (database versions not stated): gnomAD 0.00002; gnomAD exomes 0.00002 and 0.00001; ExAC 0.00001; TOPMed 0.00001.

Submissions (8):

CeGaT Center for Human Genetics Tuebingen
Classification: Pathogenic. Last evaluated: 2026-04-01. Review status: criteria provided, single submitter. Criteria: CeGaT Center For Human Genetics Tuebingen Variant Classification Criteria Version 2. Collection method: clinical testing. Allele origin: germline. Affected: yes. Observed: 2 variant alleles.
Comment: GLB1: PM3:Very Strong, PM1, PM2, PP4:Moderate

Natera, Inc.
Classification: Pathogenic for Mucopolysaccharidosis, MPS-IV-B. Last evaluated: 2025-10-22. Review status: criteria provided, single submitter. Criteria: Natera Variant Classification Schema (03/2026). Collection method: clinical testing. Allele origin: germline.
Comment: The c.841C>T variant in GLB1 is a missense variant predicted to cause substitution of histidine to tyrosine at amino acid 281. This variant is rare in the general population with a frequency below the threshold expected for the associated phenotype(s). This variant has been observed in one or more individuals affected with the associated recessive disease, as either homozygous or compound heterozygous with a second variant (PMID: 21214877, 31761138, 28476546). Given the available evidence, this variant is classified as Pathogenic.

Genetics Laboratory, Great Ormond Street Hospital NHS Foundation Trust, North Thames Genomic Laboratory Hub
Classification: Pathogenic for Lysosomal storage disorder. Last evaluated: 2025-08-28. Review status: criteria provided, single submitter. Criteria: ACGS Best Practice Guidelines for Variant Classification in Rare Disease 2024 v1.2. Collection method: clinical testing. Allele origin: germline. Affected: yes.
Comment: PM2_moderate, PP3_supporting, PM3_strong, PP4_strong

Labcorp Genetics (formerly Invitae), Labcorp
Classification: Pathogenic for Mucopolysaccharidosis, MPS-IV-B; GM1 gangliosidosis. Last evaluated: 2025-05-29. Review status: criteria provided, single submitter. Criteria: Invitae Variant Classification Sherloc (09022015). Collection method: clinical testing. Allele origin: germline.
Comment: This sequence change replaces histidine, which is basic and polar, with tyrosine, which is neutral and polar, at codon 281 of the GLB1 protein (p.His281Tyr). This variant is present in population databases (rs745386663, gnomAD 0.003%). This missense change has been observed in individual(s) with GLB1-related conditions (PMID: 11511921, 15714521, 18546276, 21214877, 21497194). In at least one individual the data is consistent with being in trans (on the opposite chromosome) from a pathogenic variant. ClinVar contains an entry for this variant (Variation ID: 372371). Invitae Evidence Modeling of protein sequence and biophysical properties (such as structural, functional, and spatial information, amino acid conservation, physicochemical variation, residue mobility, and thermodynamic stability) indicates that this missense variant is expected to disrupt GLB1 protein function with a positive predictive value of 95%. For these reasons, this variant has been classified as Pathogenic.

Blueprint Genetics
Classification: Pathogenic for GLB1-related disorders. Last evaluated: 2024-09-05. Review status: criteria provided, single submitter. Criteria: ACMG Guidelines, 2015. Collection method: clinical testing. Allele origin: germline. Affected: yes. Observed: 5 variant alleles.

GeneDx
Classification: Pathogenic. Last evaluated: 2020-12-03. Review status: criteria provided, single submitter. Criteria: GeneDx Variant Classification Process June 2021. Collection method: clinical testing. Allele origin: germline. Affected: yes.
Comment: Not observed at a significant frequency in large population cohorts (Lek et al., 2016); In silico analysis supports that this missense variant has a deleterious effect on protein structure/function; This variant is associated with the following publications: (PMID: 21214877, 18546276, 11511921, 22353294, 20409738, 21497194, 15714521, 32779865)

PreventionGenetics, part of Exact Sciences
Classification: Pathogenic for GLB1-related condition. Last evaluated: 2024-08-28. Review status: no assertion criteria provided. Collection method: clinical testing. Allele origin: germline. Not counted in ClinVar's aggregate classification.
Comment: The GLB1 c.841C>T variant is predicted to result in the amino acid substitution p.His281Tyr. This variant has been reported in several individuals in association with GM1 gangliosidosis and mucopolysaccharidosis IV (Paschke et al. 2001. PubMed ID: 11511921; Ong et al. 2012. PubMed ID: 22353294; Coutinho et al. 2012. PubMed ID: 21214877; Gucev et al. 2008. PubMed ID: 18546276; Fischetto et al. 2020. PubMed ID: 32779865; Caciotti et al. 2021. PubMed ID: 33558080) and is documented in 0.0032% of individuals of South Asian descent in gnomAD. This variant is classified as pathogenic in ClinVar. Multiple in silico programs predict the p.His281Tyr substitution to be damaging (Liu et al. 2016. PMID: 26555599). Based on the collective evidence, the c.841C>T variant is classified as pathogenic.

Counsyl
Classification: Likely pathogenic for Mucopolysaccharidosis, MPS-IV-B. Last evaluated: 2017-05-23. Review status: no assertion criteria provided. Collection method: clinical testing. Allele origin: unknown. Not counted in ClinVar's aggregate classification.

Literature cited by the submitters: PubMed 21214877 (cited by 3 submitters); PubMed 31761138 (cited by Natera, Inc.); PubMed 28476546 (cited by Natera, Inc.); PubMed 11511921 (cited by Labcorp Genetics (formerly Invitae), Labcorp and Counsyl); PubMed 15714521 (cited by Labcorp Genetics (formerly Invitae), Labcorp and Counsyl); PubMed 18546276 (cited by Labcorp Genetics (formerly Invitae), Labcorp); PubMed 21497194 (cited by Labcorp Genetics (formerly Invitae), Labcorp and Counsyl); PubMed 22128166 (cited by Counsyl).